The following is an entry in ClinVar:

ClinVar aggregate classification (germline): Uncertain significance. Review status: criteria provided, multiple submitters, no conflicts (2 of 4 stars). 4 submissions from 4 submitters: Uncertain significance (4). Last evaluated 2026-01-24.

Conditions:
Ehlers-Danlos syndrome due to tenascin-X deficiency (EDSCLL1). Also called: TNX DEFICIENCY; EHLERS-DANLOS SYNDROME, CLASSIC-LIKE; Ehlers-Danlos syndrome, classic-like, 1; TNXB-Related Classical-Like Ehlers-Danlos Syndrome; EDS DUE TO TNX DEFICIENCY. Identifiers: Orphanet 230839, MedGen C1848029, MONDO:0011670, OMIM 606408.
Vesicoureteral reflux 8 (VUR8). Identifiers: Orphanet 289365, MedGen C4014831, MONDO:0014422, OMIM 615963.
Cardiovascular phenotype. Identifiers: MedGen CN230736.

Allele frequency attached by ClinVar (database versions not stated): TOPMed 0.00003; ExAC 0.00005; gnomAD exomes 0.00005; gnomAD 0.00007.
gnomAD v4.1: 92 of 1,599,008 alleles (0.0058%); highest among the groups gnomAD compares: Non-Finnish European, 0.007%; no homozygotes.

Submissions (4):

GeneDx
Classification: Uncertain significance. Last evaluated: 2026-01-24. Review status: criteria provided, single submitter. Criteria: GeneDx Variant Classification Process June 2021. Collection method: clinical testing. Allele origin: germline.
Comment: Has not been previously published as pathogenic or benign to our knowledge; In silico analysis supports that this missense variant has a deleterious effect on protein structure/function

Mayo Clinic Laboratories, Mayo Clinic
Classification: Uncertain significance. Last evaluated: 2025-04-03. Review status: criteria provided, single submitter. Criteria: ACMG Guidelines, 2015. Collection method: clinical testing. Allele origin: germline. Observed: 1 variant allele.
Comment: BP4

Fulgent Genetics
Classification: Uncertain significance for Ehlers-Danlos syndrome due to tenascin-X deficiency; Vesicoureteral reflux 8. Last evaluated: 2024-05-14. Review status: criteria provided, single submitter. Criteria: ACMG Guidelines, 2015. Collection method: clinical testing. Allele origin: germline.

Ambry Genetics
Classification: Uncertain significance for Cardiovascular phenotype. Last evaluated: 2023-03-18. Review status: criteria provided, single submitter. Criteria: Ambry Variant Classification Scheme 2023. Collection method: clinical testing. Allele origin: germline.
Comment: The p.T3468M variant (also known as c.10403C>T), located in coding exon 30 of the TNXB gene, results from a C to T substitution at nucleotide position 10403. The threonine at codon 3468 is replaced by methionine, an amino acid with similar properties. This amino acid position is not well conserved in available vertebrate species. In addition, this alteration is predicted to be tolerated by in silico analysis. Since supporting evidence is limited at this time, the clinical significance of this alteration remains unclear.

NM_001365276.2(TNXB):c.10409C>T (p.Thr3470Met)

Gene: TNXB (tenascin XB; minus strand). Cytogenetic location: 6p21.33.
Variant type: single nucleotide variant.
Coding change: c.10409C>T on transcript NM_001365276.2 (MANE Select); coding-DNA position 10409, C replaced by T.
Protein change: p.Thr3470Met; replaces threonine 3470 with methionine.
Molecular consequence: missense variant.
Genome position (GRCh38, 1-based): chr6:32,046,372, G>A on the plus strand (C>T on the coding strand, the complement: TNXB is on the minus strand). VCF-style: chr6-32046372-G-A. GRCh37 (hg19) VCF-style: chr6-32014149-G-A.
Other names: p.Thr3468Met; c.10403C>T, p.Thr3468Met (NM_019105.8); short protein forms T3468M, T3470M.
Identifiers: ClinVar variation 2446951 (VCV002446951.7), dbSNP rs757929354, ClinGen allele CA3733233.
Genomic context (GRCh38, chr6:32,046,372, plus strand): 5'-GGCTGCCCGTCCGTGTCCCTGTACTGGACCACGAAGGAGTCAAAGGGGCCCTGGGCTACC[G>A]TCCAGGACAGGCGCAGAGAGCTGGAGGTCTCCTCAGCCACGGTCAGTTCCCCCAGGTGGG-3'
Protein context (NP_001352205.1, residues 3460-3480): ETSSSLRLSW[Thr3470Met]VAQGPFDSFV